The following is an entry in ClinVar:

NM_002907.4(RECQL):c.1532C>T (p.Thr511Ile)

Gene: RECQL (RecQ like helicase; minus strand). Cytogenetic location: 12p12.1.
Variant type: single nucleotide variant.
Coding change: c.1532C>T on transcript NM_002907.4 (MANE Select); coding-DNA position 1532, C replaced by T.
Protein change: p.Thr511Ile; replaces threonine 511 with isoleucine.
Molecular consequence: missense variant.
Genome position (GRCh38, 1-based): chr12:21,471,563, G>A on the plus strand (C>T on the coding strand, the complement: RECQL is on the minus strand). VCF-style: chr12-21471563-G-A. GRCh37 (hg19) VCF-style: chr12-21624497-G-A.
Other names: c.1532C>T, p.Thr511Ile (NM_032941.3); short protein forms T511I.
Identifiers: ClinVar variation 939710 (VCV000939710.13), dbSNP rs893569462, ClinGen allele CA233565426.

ClinVar aggregate classification (germline): Uncertain significance. Review status: criteria provided, multiple submitters, no conflicts (2 of 4 stars). 2 submissions from 2 submitters: Uncertain significance (2). Last evaluated 2025-04-14.

Allele frequency attached by ClinVar (database versions not stated): gnomAD exomes below 0.00001; TOPMed 0.00001; gnomAD 0.00002.
gnomAD v4.1: 8 of 1,612,660 alleles (0.0005%); highest among the groups gnomAD compares: Non-Finnish European, 0.00068%; no homozygotes.

Submissions (2):

Ambry Genetics
Classification: Uncertain significance. Last evaluated: 2025-04-14. Review status: criteria provided, single submitter. Criteria: Ambry Variant Classification Scheme 2023. Collection method: clinical testing. Allele origin: germline.
Comment: The p.T511I variant (also known as c.1532C>T), located in coding exon 12 of the RECQL gene, results from a C to T substitution at nucleotide position 1532. The threonine at codon 511 is replaced by isoleucine, an amino acid with similar properties. This amino acid position is well conserved in available vertebrate species. In addition, the in silico prediction for this alteration is inconclusive. Since supporting evidence is limited at this time, the clinical significance of this alteration remains unclear.

Labcorp Genetics (formerly Invitae), Labcorp
Classification: Uncertain significance. Last evaluated: 2023-11-15. Review status: criteria provided, single submitter. Criteria: Invitae Variant Classification Sherloc (09022015). Collection method: clinical testing. Allele origin: germline.
Comment: This sequence change replaces threonine, which is neutral and polar, with isoleucine, which is neutral and non-polar, at codon 511 of the RECQL protein (p.Thr511Ile). This variant is not present in population databases (gnomAD no frequency). This variant has not been reported in the literature in individuals affected with RECQL-related conditions. ClinVar contains an entry for this variant (Variation ID: 939710). Advanced modeling of protein sequence and biophysical properties (such as structural, functional, and spatial information, amino acid conservation, physicochemical variation, residue mobility, and thermodynamic stability) performed at Invitae indicates that this missense variant is expected to disrupt RECQL protein function with a positive predictive value of 80%. In summary, the available evidence is currently insufficient to determine the role of this variant in disease. Therefore, it has been classified as a Variant of Uncertain Significance.